The following is an entry in ClinVar:

NM_021035.3(ZNFX1):c.5664G>A (p.Gln1888=)

Gene: ZNFX1 (zinc finger NFX1-type containing 1; minus strand). Cytogenetic location: 20q13.13.
Variant type: single nucleotide variant.
Coding change: c.5664G>A on transcript NM_021035.3 (MANE Select); coding-DNA position 5664, G replaced by A.
Protein change: p.Gln1888=; no amino-acid change (glutamine 1888 retained).
Molecular consequence: synonymous variant.
Genome position (GRCh38, 1-based): chr20:49,247,360, C>T on the plus strand (G>A on the coding strand, the complement: ZNFX1 is on the minus strand). VCF-style: chr20-49247360-C-T. GRCh37 (hg19) VCF-style: chr20-47863897-C-T.
Identifiers: ClinVar variation 4874863 (VCV004874863.2).

ClinVar aggregate classification (germline): Likely benign (1 of 4 stars; one submission).

Submission:

CeGaT Center for Human Genetics Tuebingen
Classification: Likely benign. Last evaluated: 2026-05-01. Review status: criteria provided, single submitter. Criteria: CeGaT Center For Human Genetics Tuebingen Variant Classification Criteria Version 2. Collection method: clinical testing. Allele origin: germline. Affected: yes. Observed: 1 variant allele.
Comment: ZNFX1: BP4, BP7